The following is an entry in ClinVar:

ClinVar aggregate classification (germline): Uncertain significance (1 of 4 stars; one submission).

Allele frequency attached by ClinVar (database versions not stated): gnomAD exomes below 0.00001; TOPMed below 0.00001.
gnomAD v4.1: 5 of 1,613,540 alleles (0.00031%); highest among the groups gnomAD compares: South Asian, 0.0011%; no homozygotes.

Submission:

Labcorp Genetics (formerly Invitae), Labcorp
Classification: Uncertain significance. Last evaluated: 2024-10-21. Review status: criteria provided, single submitter. Criteria: Invitae Variant Classification Sherloc (09022015). Collection method: clinical testing. Allele origin: germline.
Comment: This sequence change falls in intron 14 of the TCIRG1 gene. It does not directly change the encoded amino acid sequence of the TCIRG1 protein. It affects a nucleotide within the consensus splice site. This variant is not present in population databases (gnomAD no frequency). This variant has not been reported in the literature in individuals affected with TCIRG1-related conditions. ClinVar contains an entry for this variant (Variation ID: 1358207). Variants that disrupt the consensus splice site are a relatively common cause of aberrant splicing (PMID: 17576681, 9536098). Algorithms developed to predict the effect of sequence changes on RNA splicing suggest that this variant is not likely to affect RNA splicing. In summary, the available evidence is currently insufficient to determine the role of this variant in disease. Therefore, it has been classified as a Variant of Uncertain Significance.

Literature cited by the submitters: PubMed 17576681; PubMed 9536098.

NM_006019.4(TCIRG1):c.1673+3G>A

Gene: TCIRG1 (T cell immune regulator 1, ATPase H+ transporting V0 subunit a3; plus strand). Cytogenetic location: 11q13.2.
Variant type: single nucleotide variant.
Coding change: c.1673+3G>A on transcript NM_006019.4 (MANE Select); 3 bases into the intron after coding-DNA position 1673, G replaced by A.
Molecular consequence: intron variant.
Genome position (GRCh38, 1-based): chr11:68,049,000, G>A. VCF-style: chr11-68049000-G-A. GRCh37 (hg19) VCF-style: chr11-67816467-G-A.
Other names: c.779+3G>A (NM_001351059.2); c.1025+3G>A (NM_006053.4).
Identifiers: ClinVar variation 1358207 (VCV001358207.5), dbSNP rs987797479, ClinGen allele CA224209558.